The following is an entry in ClinVar:

ClinVar aggregate classification (germline): Uncertain significance (1 of 4 stars; one submission).

Conditions:
Primary ciliary dyskinesia. Also called: Ciliary dyskinesia. Identifiers: Orphanet 244, MedGen C0008780, MONDO:0016575, HP:0012265.

Submission:

Ambry Genetics
Classification: Uncertain significance for Primary ciliary dyskinesia. Last evaluated: 2025-12-04. Review status: criteria provided, single submitter. Criteria: Ambry Variant Classification Scheme 2023. Collection method: clinical testing. Allele origin: germline.
Comment: The p.H306Y variant (also known as c.916C>T), located in coding exon 8 of the RPGR gene, results from a C to T substitution at nucleotide position 916. The histidine at codon 306 is replaced by tyrosine, an amino acid with similar properties. This amino acid position is highly conserved in available vertebrate species. In addition, this alteration is predicted to be deleterious by in silico analysis. Based on the available evidence, the clinical significance of this variant remains unclear.

NM_001034853.2(RPGR):c.916C>T (p.His306Tyr)

Gene: RPGR (retinitis pigmentosa GTPase regulator; minus strand). Cytogenetic location: Xp11.4.
Variant type: single nucleotide variant.
Coding change: c.916C>T on transcript NM_001034853.2 (MANE Select); coding-DNA position 916, C replaced by T.
Protein change: p.His306Tyr; replaces histidine 306 with tyrosine.
Molecular consequence: missense variant. On other transcripts: non-coding transcript variant (5).
Genome position (GRCh38, 1-based): chrX:38,304,653, G>A on the plus strand (C>T on the coding strand, the complement: RPGR is on the minus strand). VCF-style: chrX-38304653-G-A. GRCh37 (hg19) VCF-style: chrX-38163906-G-A.
Other names: c.916C>T, p.His306Tyr (NM_001367247.1, NM_001367251.1, NM_000328.3 and 1 more transcripts); c.946C>T, p.His316Tyr (NM_001367248.1); c.913C>T, p.His305Tyr (NM_001367249.1, NM_001367250.1, NM_001367245.1); short protein forms H306Y, H316Y, H305Y.
Identifiers: ClinVar variation 4633629 (VCV004633629.1).